The following is an entry in ClinVar:

ClinVar aggregate classification (germline): Uncertain significance. Review status: criteria provided, multiple submitters, no conflicts (2 of 4 stars). 2 submissions from 2 submitters: Uncertain significance (2). Last evaluated 2026-01-06.

Conditions:
Distal hereditary motor neuropathy type 2. Identifiers: Orphanet 139525, MedGen C3711384, MeSH C580044, MONDO:0015352.

Allele frequency attached by ClinVar (database versions not stated): gnomAD exomes below 0.00001.

Submissions (2):

Labcorp Genetics (formerly Invitae), Labcorp
Classification: Uncertain significance for Distal hereditary motor neuropathy type 2. Last evaluated: 2026-01-06. Review status: criteria provided, single submitter. Criteria: Invitae Variant Classification Sherloc (09022015). Collection method: clinical testing. Allele origin: germline.
Comment: This sequence change falls in intron 20 of the FBXO38 gene. It does not directly change the encoded amino acid sequence of the FBXO38 protein. It affects a nucleotide within the consensus splice site. This variant is present in population databases (no rsID available, gnomAD 0.0009%). This variant has not been reported in the literature in individuals affected with FBXO38-related conditions. ClinVar contains an entry for this variant (Variation ID: 1729649). Variants that disrupt the consensus splice site are a relatively common cause of aberrant splicing (PMID: 17576681, 9536098). Algorithms developed to predict the effect of sequence changes on RNA splicing suggest that this variant is not likely to affect RNA splicing. In summary, the available evidence is currently insufficient to determine the role of this variant in disease. Therefore, it has been classified as a Variant of Uncertain Significance.

Ambry Genetics
Classification: Uncertain significance. Last evaluated: 2019-11-08. Review status: criteria provided, single submitter. Criteria: Ambry Variant Classification Scheme 2023. Collection method: clinical testing. Allele origin: germline.
Comment: The c.3274+4A>C intronic variant results from an A to C substitution 4 nucleotides after coding exon 19 in the FBXO38 gene. This nucleotide position is well conserved in available vertebrate species. Using two different splice site prediction tools, this alteration is predicted by ESEfinder to weaken the efficiency of the native splice donor site, but is not predicted to have a deleterious effect on this splice donor site by BDGP; however, direct evidence is unavailable. Since supporting evidence is limited at this time, the clinical significance of this alteration remains unclear.

Literature cited by the submitters: PubMed 17576681 (cited by Labcorp Genetics (formerly Invitae), Labcorp); PubMed 9536098 (cited by Labcorp Genetics (formerly Invitae), Labcorp).

NM_205836.3(FBXO38):c.3274+4A>C

Gene: FBXO38 (F-box protein 38; plus strand). Cytogenetic location: 5q32.
Variant type: single nucleotide variant.
Coding change: c.3274+4A>C on transcript NM_205836.3 (MANE Select); 4 bases into the intron after coding-DNA position 3274, A replaced by C.
Molecular consequence: intron variant.
Genome position (GRCh38, 1-based): chr5:148,440,531, A>C. VCF-style: chr5-148440531-A-C. GRCh37 (hg19) VCF-style: chr5-147820094-A-C.
Other names: c.3049+4A>C (NM_030793.5); c.2539+4A>C (NM_001271723.2).
Identifiers: ClinVar variation 1729649 (VCV001729649.4), dbSNP rs1483446342, ClinGen allele CA563521367.